The following is an entry in ClinVar:

NM_000368.5(TSC1):c.3353A>G (p.Lys1118Arg)

Gene: TSC1 (TSC complex subunit 1; minus strand). Cytogenetic location: 9q34.13.
Variant type: single nucleotide variant.
Coding change: c.3353A>G on transcript NM_000368.5 (MANE Select); coding-DNA position 3353, A replaced by G.
Protein change: p.Lys1118Arg; replaces lysine 1118 with arginine.
Molecular consequence: missense variant.
Genome position (GRCh38, 1-based): chr9:132,896,377, T>C on the plus strand (A>G on the coding strand, the complement: TSC1 is on the minus strand). VCF-style: chr9-132896377-T-C. GRCh37 (hg19) VCF-style: chr9-135771764-T-C.
Other names: c.3353A>G, p.Lys1118Arg (NM_001406596.1, NM_001406592.1, NM_001406593.1 and 2 more transcripts); c.3350A>G, p.Lys1117Arg (NM_001406597.1, NM_001406598.1, NM_001406599.1 and 2 more transcripts); c.3338A>G, p.Lys1113Arg (NM_001406601.1, NM_001406602.1); c.3335A>G, p.Lys1112Arg (NM_001406603.1, NM_001406604.1); c.3311A>G, p.Lys1104Arg (NM_001406605.1, NM_001406606.1, NM_001406607.1); c.2990A>G, p.Lys997Arg (NM_001406615.1, NM_001406616.1, NM_001406617.1 and 4 more transcripts); c.2987A>G, p.Lys996Arg (NM_001406620.1, NM_001406621.1, NM_001406622.1 and 1 more transcripts); c.2948A>G, p.Lys983Arg (NM_001406624.1); and 8 more; short protein forms K996R, K997R, K1066R, K1104R, K1113R, K1052R, K1112R, K767R.
Identifiers: ClinVar variation 1986899 (VCV001986899.6), dbSNP rs2131592698, ClinGen allele CA375366551.
Genomic context (GRCh38, chr9:132,896,377, plus strand): 5'-GGGCCATCTAGGTTCAGGGGAATCTTGGCTTCCACACCCAAGTCTTTGCCCAGTTCTGTC[T>C]TTAGGCTCTCAGAAAGGCTACTGGTCATGCCGTCCTCATCACACTGGCTCTCGCTCTTAT-3'
Protein context (NP_000359.1, residues 1108-1128): GMTSSLSESL[Lys1118Arg]TELGKDLGVE

ClinVar aggregate classification (germline): Uncertain significance. Review status: criteria provided, multiple submitters, no conflicts (2 of 4 stars). 3 submissions from 3 submitters: Uncertain significance (3). Last evaluated 2026-07-07.

Conditions:
Hereditary cancer-predisposing syndrome. Also called: Hereditary neoplastic syndrome; Neoplastic Syndromes, Hereditary; Tumor predisposition; Hereditary Cancer Syndrome. Identifiers: Orphanet 140162, MedGen C0027672, MeSH D009386, MONDO:0015356.
Tuberous sclerosis 1 (TSC1). Identifiers: Orphanet 805, MedGen C1854465, MONDO:0008612, OMIM 191100.
Tuberous sclerosis syndrome (TSC). Also called: Tuberous Sclerosis Complex; Tuberous sclerosis. Identifiers: Orphanet 805, MedGen C0041341, MONDO:0001734.

Allele frequency attached by ClinVar (database versions not stated): gnomAD exomes below 0.00001.
gnomAD v4.1: 1 of 1,614,220 alleles (0.000062%); highest among the groups gnomAD compares: Non-Finnish European, 0.000085%; no homozygotes.

Submissions (3):

Ambry Genetics
Classification: Uncertain significance for Hereditary cancer-predisposing syndrome. Last evaluated: 2026-07-07. Review status: criteria provided, single submitter. Criteria: Ambry Variant Classification Scheme 2023. Collection method: clinical testing. Allele origin: germline.
Comment: The p.K1118R variant (also known as c.3353A>G), located in coding exon 21 of the TSC1 gene, results from an A to G substitution at nucleotide position 3353. The lysine at codon 1118 is replaced by arginine, an amino acid with highly similar properties. This amino acid position is conserved. In addition, this alteration is predicted to be tolerated by in silico analysis. Based on the available evidence, the clinical significance of this variant remains unclear.

All of Us Research Program, National Institutes of Health
Classification: Uncertain significance for Tuberous sclerosis syndrome. Last evaluated: 2024-08-13. Review status: criteria provided, single submitter. Criteria: ACMG Guidelines, 2015. Collection method: clinical testing. Allele origin: germline. Inheritance: Autosomal dominant inheritance. Observed: 1 variant allele, 1 heterozygote.
Comment: This missense variant replaces lysine with arginine at codon 1118 of the TSC1 protein. Computational prediction suggests that this variant may not impact protein structure and function (internally defined REVEL score threshold <= 0.5, PMID: 27666373). To our knowledge, functional studies have not been reported for this variant. This variant has not been reported in individuals affected with TSC1-related disorders in the literature. This variant has not been identified in the general population by the Genome Aggregation Database (gnomAD). The available evidence is insufficient to determine the role of this variant in disease conclusively. Therefore, this variant is classified as a Variant of Uncertain Significance.

This study involves interpretation of variants in research participants for the purpose of population health screening. Participant phenotype was not available at the time of variant classification. Additional details can be found in publication PMID: 35346344, PMCID: PMC8962531

Labcorp Genetics (formerly Invitae), Labcorp
Classification: Uncertain significance for Tuberous sclerosis 1. Last evaluated: 2022-04-08. Review status: criteria provided, single submitter. Criteria: Invitae Variant Classification Sherloc (09022015). Collection method: clinical testing. Allele origin: germline.
Comment: This sequence change replaces lysine, which is basic and polar, with arginine, which is basic and polar, at codon 1118 of the TSC1 protein (p.Lys1118Arg). This variant is not present in population databases (gnomAD no frequency). This variant has not been reported in the literature in individuals affected with TSC1-related conditions. Algorithms developed to predict the effect of missense changes on protein structure and function are either unavailable or do not agree on the potential impact of this missense change (SIFT: "Deleterious"; PolyPhen-2: "Benign"; Align-GVGD: "Class C0"). In summary, the available evidence is currently insufficient to determine the role of this variant in disease. Therefore, it has been classified as a Variant of Uncertain Significance.